The following is an entry in ClinVar:

NM_025243.4(SLC19A3):c.980-4del

Gene: SLC19A3 (solute carrier family 19 member 3; minus strand). Cytogenetic location: 2q36.3.
Variant type: Deletion.
Coding change: c.980-4del on transcript NM_025243.4 (MANE Select); 4 bases into the intron before coding-DNA position 980, one base deleted (T; older notation c.980-4delT).
Molecular consequence: intron variant.
Genome position (GRCh38, 1-based): chr2:227,696,085, A deleted on the plus strand (T on the coding strand, the reverse complement: SLC19A3 is on the minus strand); the first of 8 consecutive A bases (chr2:227,696,085-227,696,092); deleting any one gives the same sequence. VCF-style (leftmost placement, unchanged base first): chr2-227696084-GA-G. GRCh37 (hg19) VCF-style: chr2-228560800-GA-G.
Identifiers: ClinVar variation 215155 (VCV000215155.28), dbSNP rs11334205, ClinGen allele CA325054.

ClinVar aggregate classification (germline): Benign. Review status: criteria provided, multiple submitters, no conflicts (2 of 4 stars). 12 submissions from 12 submitters: Benign (9). 3 of the submissions do not count toward it. Last evaluated 2026-02-04.

Conditions:
Biotin-responsive basal ganglia disease (BTBGD). Also called: Thiamine metabolism dysfunction syndrome type 2; Thiamine Transporter-2 Deficiency; Thiamine metabolism dysfunction syndrome 2 (biotin- or thiamine-responsive encephalopathy type 2); thiamine-responsive encephalopathy; THIAMINE METABOLISM DYSFUNCTION SYNDROME 2 (BIOTIN- AND THIAMINE-RESPONSIVE TYPE). Identifiers: Orphanet 199348, Orphanet 65284, MedGen C1843807, MONDO:0011841, OMIM 607483.

Submissions (12):

Labcorp Genetics (formerly Invitae), Labcorp
Classification: Benign for Biotin-responsive basal ganglia disease. Last evaluated: 2026-02-04. Review status: criteria provided, single submitter. Criteria: Invitae Variant Classification Sherloc (09022015). Collection method: clinical testing. Allele origin: germline.

Blueprint Genetics
Classification: Benign. Last evaluated: 2024-11-26. Review status: criteria provided, single submitter. Criteria: ACMG Guidelines, 2015. Collection method: clinical testing. Allele origin: germline.

Unidad de Genómica Garrahan, Hospital de Pediatría Garrahan
Classification: Benign. Last evaluated: 2024-07-15. Review status: criteria provided, single submitter. Criteria: ACMG Guidelines, 2015. Collection method: clinical testing. Allele origin: germline. Affected: no. Observed: 92 variant alleles.
Comment: This variant is classified as Benign based on local population frequency. This variant was detected in 99% of patients studied in a panel designed for Epileptic and Developmental Encephalopathy and Progressive Myoclonus Epilepsy. Number of patients: 92. Only high quality variants are reported.

Genome-Nilou Lab
Classification: Benign for Biotin-responsive basal ganglia disease. Last evaluated: 2021-07-15. Review status: criteria provided, single submitter. Criteria: ACMG Guidelines, 2015. Collection method: clinical testing. Allele origin: germline. Affected: no.

Mendelics
Classification: Benign for Biotin-responsive basal ganglia disease. Last evaluated: 2019-05-28. Review status: criteria provided, single submitter. Criteria: Mendelics Assertion Criteria 2017. Collection method: clinical testing. Allele origin: unknown.

Athena Diagnostics
Classification: Benign. Last evaluated: 2017-04-20. Review status: criteria provided, single submitter. Criteria: Athena Diagnostics Criteria. Collection method: clinical testing. Allele origin: germline.

Eurofins Ntd Llc (ga)
Classification: Benign. Last evaluated: 2016-06-10. Review status: criteria provided, single submitter. Criteria: EGL Classification Definitions 2015. Collection method: clinical testing. Allele origin: germline. Observed: 1 variant allele.

GeneDx
Classification: Benign. Last evaluated: 2013-09-10. Review status: criteria provided, single submitter. Criteria: GeneDx Variant Classification (06012015). Collection method: clinical testing. Allele origin: germline. Affected: yes.
Comment: The variant is found in MITONUC-MITOP panel(s).

PreventionGenetics, part of Exact Sciences
Classification: Benign. Review status: criteria provided, single submitter. Criteria: ACMG Guidelines, 2015. Collection method: clinical testing. Allele origin: germline.

Mayo Clinic Laboratories, Mayo Clinic
Classification: Benign. Last evaluated: 2016-02-19. Review status: no assertion criteria provided. Collection method: clinical testing. Allele origin: unknown. Not counted in ClinVar's aggregate classification.

Diagnostic Laboratory, Department of Genetics, University Medical Center Groningen
Classification: Benign. Review status: no assertion criteria provided. Collection method: clinical testing. Allele origin: germline. Affected: yes. Study: VKGL Data-share Consensus. Not counted in ClinVar's aggregate classification.

Genome Diagnostics Laboratory, University Medical Center Utrecht
Classification: Benign. Review status: no assertion criteria provided. Collection method: clinical testing. Allele origin: germline. Affected: yes. Study: VKGL Data-share Consensus. Not counted in ClinVar's aggregate classification.